The following is an entry in ClinVar:

ClinVar aggregate classification (germline): Uncertain significance (1 of 4 stars; one submission).

Conditions:
Cardiovascular phenotype. Identifiers: MedGen CN230736.

Submission:

Ambry Genetics
Classification: Uncertain significance for Cardiovascular phenotype. Last evaluated: 2026-07-06. Review status: criteria provided, single submitter. Criteria: Ambry Variant Classification Scheme 2023. Collection method: clinical testing. Allele origin: germline.
Comment: The p.L3366R variant (also known as c.10097T>G), located in coding exon 69 of the RYR2 gene, results from a T to G substitution at nucleotide position 10097. The leucine at codon 3366 is replaced by arginine, an amino acid with dissimilar properties. This amino acid position is conserved. In addition, this alteration is predicted to be deleterious by in silico analysis. Based on the available evidence, the clinical significance of this variant remains unclear.

NM_001035.3(RYR2):c.10097T>G (p.Leu3366Arg)

Gene: RYR2 (ryanodine receptor 2; plus strand). Cytogenetic location: 1q43.
Variant type: single nucleotide variant.
Coding change: c.10097T>G on transcript NM_001035.3 (MANE Select); coding-DNA position 10097, T replaced by G.
Protein change: p.Leu3366Arg; replaces leucine 3366 with arginine.
Molecular consequence: missense variant.
Genome position (GRCh38, 1-based): chr1:237,709,053, T>G. VCF-style: chr1-237709053-T-G. GRCh37 (hg19) VCF-style: chr1-237872353-T-G.
Other names: short protein forms L3366R.
Identifiers: ClinVar variation 5028673 (VCV005028673.1).